The following is an entry in ClinVar:

ClinVar aggregate classification (germline): Uncertain significance. Review status: criteria provided, single submitter (1 of 4 stars). 2 submissions from 2 submitters: Uncertain significance (1). 1 of the submissions does not count toward it. Last evaluated 2022-03-13.

Conditions:
Granulomatous disease, chronic, autosomal recessive, cytochrome b-negative. Also called: Chronic granulomatous disease, autosomal, due to deficiency of CYBA; CGD DUE TO DEFICIENCY OF THE ALPHA SUBUNIT OF CYTOCHROME b; CGD, AUTOSOMAL RECESSIVE CYTOCHROME b-NEGATIVE; CYBA DEFICIENCY; GRANULOMATOUS DISEASE, CHRONIC, AUTOSOMAL RECESSIVE, 4. Identifiers: Orphanet 379, MedGen C1856255, MONDO:0009308, OMIM 233690.
Chronic granulomatous disease. Identifiers: Orphanet 379, MedGen C0018203, MONDO:0018305.

Allele frequency attached by ClinVar (database versions not stated): gnomAD 0.00002 and 0.00003; TOPMed 0.00002; gnomAD exomes 0.00003 and 0.00006; ExAC 0.00009.
gnomAD v4.1: 47 of 1,533,456 alleles (0.0031%); highest among the groups gnomAD compares: East Asian, 0.027%; no homozygotes.

Submissions (2):

Labcorp Genetics (formerly Invitae), Labcorp
Classification: Uncertain significance for Granulomatous disease, chronic, autosomal recessive, cytochrome b-negative. Last evaluated: 2022-03-13. Review status: criteria provided, single submitter. Criteria: Invitae Variant Classification Sherloc (09022015). Collection method: clinical testing. Allele origin: germline.
Comment: This sequence change replaces alanine, which is neutral and non-polar, with valine, which is neutral and non-polar, at codon 176 of the CYBA protein (p.Ala176Val). This variant is present in population databases (rs772492771, gnomAD 0.01%). This variant has not been reported in the literature in individuals affected with CYBA-related conditions. ClinVar contains an entry for this variant (Variation ID: 642309). Algorithms developed to predict the effect of missense changes on protein structure and function output the following: SIFT: "Tolerated"; PolyPhen-2: "Benign"; Align-GVGD: "Class C0". The valine amino acid residue is found in multiple mammalian species, which suggests that this missense change does not adversely affect protein function. Algorithms developed to predict the effect of sequence changes on RNA splicing suggest that this variant may create or strengthen a splice site. In summary, the available evidence is currently insufficient to determine the role of this variant in disease. Therefore, it has been classified as a Variant of Uncertain Significance.

Natera, Inc.
Classification: Uncertain significance for Chronic granulomatous disease. Last evaluated: 2020-09-16. Review status: no assertion criteria provided. Collection method: clinical testing. Allele origin: germline. Not counted in ClinVar's aggregate classification.

NM_000101.4(CYBA):c.527C>T (p.Ala176Val)

Gene: CYBA (cytochrome b-245 alpha chain; minus strand). Cytogenetic location: 16q24.2.
Variant type: single nucleotide variant.
Coding change: c.527C>T on transcript NM_000101.4 (MANE Select); coding-DNA position 527, C replaced by T.
Protein change: p.Ala176Val; replaces alanine 176 with valine.
Molecular consequence: missense variant.
Genome position (GRCh38, 1-based): chr16:88,643,414, G>A on the plus strand (C>T on the coding strand, the complement: CYBA is on the minus strand). VCF-style: chr16-88643414-G-A. GRCh37 (hg19) VCF-style: chr16-88709822-G-A.
Other names: short protein forms A176V.
Identifiers: ClinVar variation 642309 (VCV000642309.4), dbSNP rs772492771, ClinGen allele CA8228178.